The following is an entry in ClinVar:

NC_000005.10:g.112707410G>A

Gene: APC (APC regulator of Wnt signaling pathway; plus strand). Cytogenetic location: 5q22.2.
Variant type: single nucleotide variant.
Genome position: GRCh38 VCF-style: chr5-112707410-G-A. GRCh37 (hg19) VCF-style: chr5-112043107-G-A.
Identifiers: ClinVar variation 1059057 (VCV001059057.8), dbSNP rs896715004, ClinGen allele CA124924633.

ClinVar aggregate classification (germline): Uncertain significance (1 of 4 stars; one submission).

Conditions:
Familial adenomatous polyposis 1 (FAP1). Also called: FAMILIAL ADENOMATOUS POLYPOSIS 1, ATTENUATED; POLYPOSIS, ADENOMATOUS INTESTINAL. Identifiers: MedGen C2713442, MONDO:0021056, OMIM 175100. Disease mechanism: loss of function.

Allele frequency attached by ClinVar (database versions not stated): gnomAD exomes below 0.00001; gnomAD 0.00001; TOPMed 0.00001.

Submission:

Labcorp Genetics (formerly Invitae), Labcorp
Classification: Uncertain significance for Familial adenomatous polyposis 1. Last evaluated: 2025-11-17. Review status: criteria provided, single submitter. Criteria: Invitae Variant Classification Sherloc (09022015). Collection method: clinical testing. Allele origin: germline.
Comment: This variant occurs in a non-coding region of the APC gene. It does not change the encoded amino acid sequence of the APC protein. This variant is not present in population databases (gnomAD no frequency). This variant has not been reported in the literature in individuals affected with APC-related conditions. Experimental studies and prediction algorithms are not available or were not evaluated, and the functional significance of this variant is currently unknown. In summary, the available evidence is currently insufficient to determine the role of this variant in disease. Therefore, it has been classified as a Variant of Uncertain Significance.